The following is an entry in ClinVar:

NM_000494.4(COL17A1):c.1338C>T (p.Gly446=)

Gene: COL17A1 (collagen type XVII alpha 1 chain; minus strand). Cytogenetic location: 10q25.1.
Variant type: single nucleotide variant.
Coding change: c.1338C>T on transcript NM_000494.4 (MANE Select); coding-DNA position 1338, C replaced by T.
Protein change: p.Gly446=; no amino-acid change (glycine 446 retained).
Molecular consequence: synonymous variant.
Genome position (GRCh38, 1-based): chr10:104,057,102, G>A on the plus strand (C>T on the coding strand, the complement: COL17A1 is on the minus strand). VCF-style: chr10-104057102-G-A. GRCh37 (hg19) VCF-style: chr10-105816860-G-A.
Other names: c.1338C>T (NM_000494.3).
Identifiers: ClinVar variation 2966714 (VCV002966714.5), dbSNP rs1174128678, ClinGen allele CA471337871.

ClinVar aggregate classification (germline): Likely benign. Review status: criteria provided, single submitter (1 of 4 stars). 2 submissions from 2 submitters: Likely benign (1). 1 of the submissions does not count toward it. Last evaluated 2023-10-13.

Conditions:
COL17A1-related disorder. Also called: COL17A1-related condition.

Allele frequency attached by ClinVar (database versions not stated): gnomAD 0.00001; gnomAD exomes 0.00001; TOPMed 0.00001.
gnomAD v4.1: 23 of 1,612,030 alleles (0.0014%); highest among the groups gnomAD compares: Non-Finnish European, 0.0017%; no homozygotes.

Submissions (2):

Labcorp Genetics (formerly Invitae), Labcorp
Classification: Likely benign. Last evaluated: 2023-10-13. Review status: criteria provided, single submitter. Criteria: Invitae Variant Classification Sherloc (09022015). Collection method: clinical testing. Allele origin: germline.

PreventionGenetics, part of Exact Sciences
Classification: Likely benign for COL17A1-related condition. Last evaluated: 2019-06-13. Review status: no assertion criteria provided. Collection method: clinical testing. Allele origin: germline. Not counted in ClinVar's aggregate classification.
Comment: This variant is classified as likely benign based on ACMG/AMP sequence variant interpretation guidelines (Richards et al. 2015 PMID: 25741868, with internal and published modifications).